The following is an entry in ClinVar:

NM_016122.3(CEP83):c.584G>T (p.Arg195Leu)

Gene: CEP83 (centrosomal protein 83; minus strand). Cytogenetic location: 12q22.
Variant type: single nucleotide variant.
Coding change: c.584G>T on transcript NM_016122.3 (MANE Select); coding-DNA position 584, G replaced by T.
Protein change: p.Arg195Leu; replaces arginine 195 with leucine.
Molecular consequence: missense variant. On other transcripts: non-coding transcript variant (3).
Genome position (GRCh38, 1-based): chr12:94,379,008, C>A on the plus strand (G>T on the coding strand, the complement: CEP83 is on the minus strand). VCF-style: chr12-94379008-C-A. GRCh37 (hg19) VCF-style: chr12-94772784-C-A.
Other names: c.584G>T, p.Arg195Leu (NM_001042399.2, NM_001346457.2, NM_001346460.2 and 3 more transcripts); c.272G>T, p.Arg91Leu (NM_001346458.2, NM_001346459.2, NM_001346462.2 and 2 more transcripts); c.359G>T, p.Arg120Leu (NM_001368041.1); c.47G>T, p.Arg16Leu (NM_001368042.1); short protein forms R120L, R16L, R195L, R91L.
Identifiers: ClinVar variation 1057486 (VCV001057486.6), dbSNP rs201341346, ClinGen allele CA6721888.

ClinVar aggregate classification (germline): Uncertain significance (1 of 4 stars; one submission).

Conditions:
Nephronophthisis 18 (NPHP18). Identifiers: Orphanet 655, MedGen C3890591, MONDO:0014374, OMIM 615862.

Allele frequency attached by ClinVar (database versions not stated): ESP Exome Variant Server 0.00017.
gnomAD v4.1: 62 of 1,611,378 alleles (0.0038%); highest among the groups gnomAD compares: Non-Finnish European, 0.005%; no homozygotes.

Submission:

Labcorp Genetics (formerly Invitae), Labcorp
Classification: Uncertain significance for Nephronophthisis 18. Last evaluated: 2021-12-20. Review status: criteria provided, single submitter. Criteria: Invitae Variant Classification Sherloc (09022015). Collection method: clinical testing. Allele origin: germline.
Comment: In summary, the available evidence is currently insufficient to determine the role of this variant in disease. Therefore, it has been classified as a Variant of Uncertain Significance. Algorithms developed to predict the effect of missense changes on protein structure and function output the following: SIFT: "Not Available"; PolyPhen-2: "Benign"; Align-GVGD: "Not Available". The leucine amino acid residue is found in multiple mammalian species, which suggests that this missense change does not adversely affect protein function. ClinVar contains an entry for this variant (Variation ID: 1057486). This variant has not been reported in the literature in individuals affected with CEP83-related conditions. This variant is present in population databases (rs201341346, gnomAD 0.004%). This sequence change replaces arginine, which is basic and polar, with leucine, which is neutral and non-polar, at codon 195 of the CEP83 protein (p.Arg195Leu).